The following is an entry in ClinVar:

ClinVar aggregate classification (germline): Conflicting classifications of pathogenicity. Review status: criteria provided, conflicting classifications (1 of 4 stars). 3 submissions from 3 submitters: Uncertain significance (2); Likely benign (1). Last evaluated 2025-10-17.

Conditions:
Familial thoracic aortic aneurysm and aortic dissection (TAAD). Also called: Thoracic aortic aneurysms and dissections. Identifiers: Orphanet 91387, MedGen C4707243, MONDO:0019625.
Rienhoff syndrome. Also called: LOEYS-DIETZ SYNDROME 5. Identifiers: MedGen C3810012, MONDO:0014262, OMIM 615582.

Allele frequency attached by ClinVar (database versions not stated): gnomAD exomes below 0.00001 and 0.00001; gnomAD 0.00001; TOPMed 0.00001.
gnomAD v4.1: 18 of 1,614,058 alleles (0.0011%); highest among the groups gnomAD compares: African/African-American, 0.0027%; no homozygotes.

Submissions (3):

Labcorp Genetics (formerly Invitae), Labcorp
Classification: Uncertain significance for Rienhoff syndrome. Last evaluated: 2025-10-17. Review status: criteria provided, single submitter. Criteria: Invitae Variant Classification Sherloc (09022015). Collection method: clinical testing. Allele origin: germline.
Comment: This sequence change replaces serine, which is neutral and polar, with threonine, which is neutral and polar, at codon 359 of the TGFB3 protein (p.Ser359Thr). This variant is present in population databases (no rsID available, gnomAD 0.004%). This variant has not been reported in the literature in individuals affected with TGFB3-related conditions. ClinVar contains an entry for this variant (Variation ID: 1433598). Invitae Evidence Modeling of protein sequence and biophysical properties (such as structural, functional, and spatial information, amino acid conservation, physicochemical variation, residue mobility, and thermodynamic stability) indicates that this missense variant is not expected to disrupt TGFB3 protein function with a negative predictive value of 80%. In summary, the available evidence is currently insufficient to determine the role of this variant in disease. Therefore, it has been classified as a Variant of Uncertain Significance.

Blueprint Genetics
Classification: Likely benign. Last evaluated: 2022-08-13. Review status: criteria provided, single submitter. Criteria: ACMG Guidelines, 2015. Collection method: clinical testing. Allele origin: germline.

Ambry Genetics
Classification: Uncertain significance for Familial thoracic aortic aneurysm and aortic dissection. Last evaluated: 2021-09-01. Review status: criteria provided, single submitter. Criteria: Ambry Variant Classification Scheme 2023. Collection method: clinical testing. Allele origin: germline.

NM_003239.5(TGFB3):c.1076G>C (p.Ser359Thr)

Gene: TGFB3 (transforming growth factor beta 3; minus strand). Cytogenetic location: 14q24.3.
Variant type: single nucleotide variant.
Coding change: c.1076G>C on transcript NM_003239.5 (MANE Select); coding-DNA position 1076, G replaced by C.
Protein change: p.Ser359Thr; replaces serine 359 with threonine.
Molecular consequence: missense variant.
Genome position (GRCh38, 1-based): chr14:75,960,927, C>G on the plus strand (G>C on the coding strand, the complement: TGFB3 is on the minus strand). VCF-style: chr14-75960927-C-G. GRCh37 (hg19) VCF-style: chr14-76427270-C-G.
Other names: c.1076G>C, p.Ser359Thr (NM_001329939.2); short protein forms S359T.
Identifiers: ClinVar variation 1433598 (VCV001433598.10), dbSNP rs1474531974, ClinGen allele CA390467558.